The following is an entry in ClinVar:

ClinVar aggregate classification (germline): Likely benign. Review status: criteria provided, multiple submitters, no conflicts (2 of 4 stars). 2 submissions from 2 submitters: Likely benign (2). Last evaluated 2025-12-14.

Conditions:
HYPERHOMOCYSTEINEMIA, THROMBOTIC, CBS-RELATED. Identifiers: MedGen C3150344, OMIM 236200.

Allele frequency attached by ClinVar (database versions not stated): gnomAD exomes 0.00003; ExAC 0.00004.

Submissions (2):

Labcorp Genetics (formerly Invitae), Labcorp
Classification: Likely benign for HYPERHOMOCYSTEINEMIA, THROMBOTIC, CBS-RELATED. Last evaluated: 2025-12-14. Review status: criteria provided, single submitter. Criteria: Invitae Variant Classification Sherloc (09022015). Collection method: clinical testing. Allele origin: germline.

GeneDx
Classification: Likely benign. Last evaluated: 2017-02-01. Review status: criteria provided, single submitter. Criteria: GeneDx Variant Classification (06012015). Collection method: clinical testing. Allele origin: germline. Affected: yes.
Comment: This variant is considered likely benign or benign based on one or more of the following criteria: it is a conservative change, it occurs at a poorly conserved position in the protein, it is predicted to be benign by multiple in silico algorithms, and/or has population frequency not consistent with disease.

NM_000071.3(CBS):c.1359-18C>T

Gene: CBS (cystathionine beta-synthase; minus strand). Cytogenetic location: 21q22.3.
Variant type: single nucleotide variant.
Coding change: c.1359-18C>T on transcript NM_000071.3 (MANE Select); 18 bases into the intron before coding-DNA position 1359, C replaced by T.
Molecular consequence: intron variant.
Genome position (GRCh38, 1-based): chr21:43,058,271, G>A on the plus strand (C>T on the coding strand, the complement: CBS is on the minus strand). VCF-style: chr21-43058271-G-A. GRCh37 (hg19) VCF-style: chr21-44478381-G-A.
Other names: c.1359-18C>T (NM_001320298.2, NM_001178009.3, NM_001178008.3); c.1044-18C>T (NM_001321072.1).
Identifiers: ClinVar variation 507169 (VCV000507169.4), dbSNP rs770172764, ClinGen allele CA321687562.